The following is an entry in ClinVar:

NM_052947.4(ALPK2):c.4018G>A (p.Glu1340Lys)

Genes: ALPK2 (alpha kinase 2; minus strand), LOC126862764 (BRD4-independent group 4 enhancer GRCh37_chr18:56202574-56203773; plus strand). Cytogenetic location: 18q21.31.
Variant type: single nucleotide variant.
Coding change: c.4018G>A on transcript NM_052947.4 (MANE Select); coding-DNA position 4018, G replaced by A.
Protein change: p.Glu1340Lys; replaces glutamic acid 1340 with lysine.
Molecular consequence: missense variant.
Genome position (GRCh38, 1-based): chr18:58,536,169, C>T on the plus strand (G>A on the coding strand, the complement: ALPK2 is on the minus strand). VCF-style: chr18-58536169-C-T. GRCh37 (hg19) VCF-style: chr18-56203401-C-T.
Other names: short protein forms E1340K.
Identifiers: ClinVar variation 1737074 (VCV001737074.2), dbSNP rs752700582, ClinGen allele CA8976787.
Genomic context (GRCh38, chr18:58,536,169, plus strand): 5'-CCGCTGACAGTGAATCTGTGACAGATAACTCCTTTTCATCTACAGGGTCCACGGATGACT[C>T]CAGGAGTCTGGGTTGGCTGAAACCCCGGGAAGAAAGACTTCTCCAATGTACACTGATGGT-3'
Protein context (NP_443179.3, residues 1330-1350): SRGFSQPRLL[Glu1340Lys]SSVDPVDEKE

ClinVar aggregate classification (germline): Uncertain significance (1 of 4 stars; one submission).

Allele frequency attached by ClinVar (database versions not stated): TOPMed below 0.00001; gnomAD 0.00001; ExAC 0.00002; gnomAD exomes 0.00002.
gnomAD v4.1: 12 of 1,614,008 alleles (0.00074%); highest among the groups gnomAD compares: Admixed American, 0.0017%; no homozygotes.

Submission:

Ambry Genetics
Classification: Uncertain significance. Last evaluated: 2024-01-29. Review status: criteria provided, single submitter. Criteria: Ambry Variant Classification Scheme 2023. Collection method: clinical testing. Allele origin: germline.
Comment: The p.E1340K variant (also known as c.4018G>A), located in coding exon 4 of the ALPK2 gene, results from a G to A substitution at nucleotide position 4018. The glutamic acid at codon 1340 is replaced by lysine, an amino acid with similar properties. This amino acid position is conserved. In addition, this alteration is predicted to be tolerated by in silico analysis. Since supporting evidence is limited at this time, the clinical significance of this alteration remains unclear.